The following is an entry in ClinVar:

NM_001987.5(ETV6):c.328+3G>A

Genes: ETV6 (ETS variant transcription factor 6; plus strand), LOC126861451 (BRD4-independent group 4 enhancer GRCh37_chr12:11991350-11992549; plus strand). Cytogenetic location: 12p13.2.
Variant type: single nucleotide variant.
Coding change: c.328+3G>A on transcript NM_001987.5 (MANE Select); 3 bases into the intron after coding-DNA position 328, G replaced by A.
Molecular consequence: intron variant.
Genome position (GRCh38, 1-based): chr12:11,839,307, G>A. VCF-style: chr12-11839307-G-A. GRCh37 (hg19) VCF-style: chr12-11992241-G-A.
Other names: c.301+3G>A (NM_001413914.1); c.328+3G>A (NM_001413917.1, NM_001413916.1, NM_001413918.1); c.325+3G>A (NM_001413913.1); c.64+3G>A (NM_001413915.1).
Identifiers: ClinVar variation 5036140 (VCV005036140.1).

ClinVar aggregate classification (germline): Uncertain significance (1 of 4 stars; one submission).

Conditions:
Inborn genetic diseases. Identifiers: MedGen C0950123, MeSH D030342.

gnomAD v4.1: 6 of 1,612,456 alleles (0.00037%); highest among the groups gnomAD compares: South Asian, 0.0055%; no homozygotes.

Submission:

Ambry Genetics
Classification: Uncertain significance for Inborn genetic diseases. Last evaluated: 2026-07-30. Review status: criteria provided, single submitter. Criteria: Ambry Variant Classification Scheme 2023. Collection method: clinical testing. Allele origin: germline.
Comment: The c.328+3G>A intronic variant results from a G to A substitution 3 nucleotides after coding exon 3 in the ETV6 gene. This nucleotide position is well conserved in available vertebrate species. In silico splice site analysis predicts that this alteration will not have any significant effect on splicing. Based on the available evidence, the clinical significance of this variant remains unclear.